The following is an entry in ClinVar:

NM_001540.5(HSPB1):c.2_3inv (p.Met1Thr)

Gene: HSPB1 (heat shock protein family B (small) member 1; plus strand). Cytogenetic location: 7q11.23.
Variant type: Inversion.
Coding change: c.2_3inv on transcript NM_001540.5 (MANE Select).
Protein change: p.Met1Thr; changes the start codon (methionine 1).
Molecular consequence: missense variant, initiator codon variant.
Genome position: GRCh38 VCF-style: chr7-76302714-TG-CA. GRCh37 (hg19) VCF-style: chr7-75932031-TG-CA.
Other names: c.2_3delTGinsCA (NM_001540.3); short protein forms M1T.
Identifiers: ClinVar variation 1784219 (VCV001784219.3), ClinGen allele CA2580077375.
Genomic context (GRCh38, chr7:76,302,714, plus strand): 5'-CAGCCGAGCCCAGCGCCCCGCACTTTTCTGAGCAGACGTCCAGAGCAGAGTCAGCCAGCA[TG>CA]ACCGAGCGCCGCGTCCCCTTCTCGCTCCTGCGGGGCCCCAGCTGGGACCCCTTCCGCGAC-3'
Protein context (NP_001531.1, residues 1-11): [Met1Thr]TERRVPFSLL

ClinVar aggregate classification (germline): Uncertain significance (1 of 4 stars; one submission).

Conditions:
Inborn genetic diseases. Identifiers: MedGen C0950123, MeSH D030342.

Submission:

Ambry Genetics
Classification: Uncertain significance for Inborn genetic diseases. Last evaluated: 2021-02-25. Review status: criteria provided, single submitter. Criteria: Ambry Variant Classification Scheme 2023. Collection method: clinical testing. Allele origin: germline.
Comment: The c.2_3delTGinsCA variant, located in coding exon 1 of the HSPB1 gene, results from an in-frame deletion of TG and insertion of CA at nucleotide positions 2 to 3. This results in the substitution of the methionine residue for a threonine residue at codon 1, an amino acid with similar properties. This amino acid position is highly conserved in available vertebrate species. In addition, this alteration is predicted to be neutral by in silico analysis (Choi Y et al. PLoS ONE. 2012; 7(10):e46688). Since supporting evidence is limited at this time, the clinical significance of this alteration remains unclear.